The following is an entry in ClinVar:

ClinVar aggregate classification (germline): Conflicting classifications of pathogenicity. Review status: criteria provided, conflicting classifications (1 of 4 stars). 10 submissions from 10 submitters: Likely pathogenic (6); Uncertain significance (2). 2 of the submissions do not count toward it. Last evaluated 2026-04-01.

Conditions:
Dilated cardiomyopathy 1GG (CMD1GG). Identifiers: Orphanet 154, MedGen C3150898, MONDO:0013339, OMIM 613642.
Pheochromocytoma/paraganglioma syndrome 5. Also called: Paragangliomas 5; SDHA-Related Hereditary Paraganglioma-Pheochromocytoma Syndrome. Identifiers: Orphanet 29072, MedGen C3279992, MONDO:0013602, OMIM 614165.
Mitochondrial complex II deficiency, nuclear type 1. Also called: SUCCINATE CoQ REDUCTASE DEFICIENCY. Identifiers: Orphanet 3208, MedGen C5700310, MONDO:0100294, OMIM 252011.
Hereditary cancer-predisposing syndrome. Also called: Neoplastic Syndromes, Hereditary; Hereditary neoplastic syndrome; Tumor predisposition; Hereditary Cancer Syndrome. Identifiers: Orphanet 140162, MedGen C0027672, MeSH D009386, MONDO:0015356.

Allele frequency attached by ClinVar (database versions not stated): gnomAD 0.00001; gnomAD exomes 0.00001 and 0.00002.
gnomAD v4.1: 16 of 1,608,390 alleles (0.00099%); highest among the groups gnomAD compares: Middle Eastern, 0.016%; no homozygotes.

Submissions (11):

CeGaT Center for Human Genetics Tuebingen
Classification: Uncertain significance. Last evaluated: 2026-04-01. Review status: criteria provided, single submitter. Criteria: CeGaT Center For Human Genetics Tuebingen Variant Classification Criteria Version 2. Collection method: clinical testing. Allele origin: germline. Affected: yes. Observed: 1 variant allele.
Comment: SDHA: PM2, PVS1:Moderate

Labcorp Genetics (formerly Invitae), Labcorp
Classification: Likely pathogenic for Pheochromocytoma/paraganglioma syndrome 5; Mitochondrial complex II deficiency, nuclear type 1. Last evaluated: 2025-12-09. Review status: criteria provided, single submitter. Criteria: Invitae Variant Classification Sherloc (09022015). Collection method: clinical testing. Allele origin: germline.
Comment: This sequence change affects a donor splice site in intron 2 of the SDHA gene. RNA analysis indicates that disruption of this splice site induces altered splicing and likely results in a shortened protein product. This variant is present in population databases (no rsID available, gnomAD 0.003%). Disruption of this splice site has been observed in individual(s) with paraganglioma (internal data). ClinVar contains an entry for this variant (Variation ID: 388610). Studies have shown that disruption of this splice site results in skipping of exon 2, but is expected to preserve the integrity of the reading-frame (internal data). In summary, the currently available evidence indicates that the variant is pathogenic, but additional data are needed to prove that conclusively. Therefore, this variant has been classified as Likely Pathogenic.

Ambry Genetics
Classification: Likely pathogenic for Hereditary cancer-predisposing syndrome. Last evaluated: 2025-07-16. Review status: criteria provided, single submitter. Criteria: Ambry Variant Classification Scheme 2023. Collection method: clinical testing. Allele origin: germline.
Comment: The c.150+1G>A intronic variant results from a G to A substitution one nucleotide after coding exon 2 of the SDHA gene. This variant has been observed in individuals with a personal and/or family history that is consistent with SDHA-associated disease (Ambry internal data). This nucleotide position is highly conserved in available vertebrate species. In silico splice site analysis predicts that this alteration will weaken the native splice donor site. RNA studies have demonstrated that this alteration results in abnormal splicing in the set of samples tested (Ambry internal data). This variant is considered to be rare based on population cohorts in the Genome Aggregation Database (gnomAD). Based on the majority of available evidence to date, this variant is likely to be pathogenic.

Myriad Genetics, Inc.
Classification: Likely pathogenic for Pheochromocytoma/paraganglioma syndrome 5. Last evaluated: 2025-04-28. Review status: criteria provided, single submitter. Criteria: Myriad Autosomal Dominant, Autosomal Recessive and X-Linked Classification Criteria (2023). Collection method: clinical testing. Allele origin: unknown.
Comment: This variant is considered likely pathogenic. This variant occurs within a consensus splice junction and is predicted to result in abnormal mRNA splicing of either an out-of-frame exon or an in-frame exon necessary for protein stability and/or normal function.

Institute for Genomic Medicine (IGM) Clinical Laboratory, Nationwide Children's Hospital
Classification: Likely pathogenic for Pheochromocytoma/paraganglioma syndrome 5. Last evaluated: 2025-01-27. Review status: criteria provided, single submitter. Criteria: ACMG Guidelines, 2015. Collection method: clinical testing. Allele origin: germline.
Comment: This variant is predicted to result in loss of function through nonsense-mediated decay of the encoded transcript or premature truncation of the encoded protein in a gene in which loss of function is a known mechanism of disease (ACMG/AMP: PVS1). This variant is absent from or present at an exceedingly low frequency in gnomAD, a large-scale control population database (ACMG/AMP: PM2).

Quest Diagnostics Nichols Institute San Juan Capistrano
Classification: Likely pathogenic. Last evaluated: 2024-01-15. Review status: criteria provided, single submitter. Criteria: Quest Diagnostics criteria. Collection method: clinical testing. Allele origin: unknown.
Comment: This variant disrupts a canonical splice-donor site and is predicted to interfere with normal SDHA mRNA splicing. The variant has not been reported in individuals with SDHA-related diseases in the published literature. The frequency of this variant in the general population, 0.000039 (5/128886 chromosomes), is consistent with pathogenicity. Based on the available information, this variant is classified as likely pathogenic.

GeneDx
Classification: Uncertain significance. Last evaluated: 2023-09-11. Review status: criteria provided, single submitter. Criteria: GeneDx Variant Classification Process June 2021. Collection method: clinical testing. Allele origin: germline. Affected: yes.
Comment: Canonical splice site variant predicted to result in an in-frame deletion of exon 2; Not observed at significant frequency in large population cohorts (gnomAD); Has not been previously published as pathogenic or benign to our knowledge

Baylor Genetics
Classification: Likely pathogenic for Dilated cardiomyopathy 1GG. Last evaluated: 2023-05-28. Review status: criteria provided, single submitter. Criteria: ACMG Guidelines, 2015. Collection method: clinical testing. Allele origin: unknown.

Dr. Peter K. Rogan Lab, Western University
No classification provided (evidence only). Condition: Colorectal cancer. Review status: no classification provided. Collection method: in vitro. Allele origin: not applicable. Functional consequence: skipped exon. Not counted in ClinVar's aggregate classification.

Genome Diagnostics Laboratory, Amsterdam University Medical Center
Classification: Likely pathogenic. Review status: no assertion criteria provided. Collection method: clinical testing. Allele origin: germline. Affected: yes. Study: VKGL Data-share Consensus. Not counted in ClinVar's aggregate classification.

Joint Genome Diagnostic Labs from Nijmegen and Maastricht, Radboudumc and MUMC+
Classification: Likely pathogenic. Review status: no assertion criteria provided. Collection method: clinical testing. Allele origin: germline. Affected: yes. Study: VKGL Data-share Consensus. Not counted in ClinVar's aggregate classification.

Literature cited by the submitters: PubMed 17480203 (cited by Ambry Genetics).

NM_004168.4(SDHA):c.150+1G>A

Gene: SDHA (succinate dehydrogenase complex flavoprotein subunit A; plus strand). Cytogenetic location: 5p15.33.
Variant type: single nucleotide variant.
Coding change: c.150+1G>A on transcript NM_004168.4 (MANE Select); the canonical splice donor site of the intron after coding-DNA position 150, G replaced by A.
Molecular consequence: splice donor variant.
Genome position (GRCh38, 1-based): chr5:223,569, G>A. VCF-style: chr5-223569-G-A. GRCh37 (hg19) VCF-style: chr5-223684-G-A.
Other names: c.150+1G>A (NM_001330758.2, NM_001294332.2).
Identifiers: ClinVar variation 388610 (VCV000388610.31), dbSNP rs1057523165, ClinGen allele CA16604887.